The following is an entry in ClinVar:

NM_001244008.2(KIF1A):c.971G>A (p.Arg324Lys)

Gene: KIF1A (kinesin family member 1A; minus strand). Cytogenetic location: 2q37.3.
Variant type: single nucleotide variant.
Coding change: c.971G>A on transcript NM_001244008.2 (MANE Select); coding-DNA position 971, G replaced by A.
Protein change: p.Arg324Lys; replaces arginine 324 with lysine.
Molecular consequence: missense variant.
Genome position (GRCh38, 1-based): chr2:240,774,249, C>T on the plus strand (G>A on the coding strand, the complement: KIF1A is on the minus strand). VCF-style: chr2-240774249-C-T. GRCh37 (hg19) VCF-style: chr2-241713666-C-T.
Other names: c.971G>A, p.Arg324Lys (NM_001320705.2, NM_001330289.2, NM_001330290.2 and 20 more transcripts); short protein forms R324K.
Identifiers: ClinVar variation 3763172 (VCV003763172.2).

ClinVar aggregate classification (germline): Uncertain significance (1 of 4 stars; one submission).

Conditions:
Neuropathy, hereditary sensory, type 2C. Also called: KIF1A-Related HSAN2 (HSAN2C); Hereditary sensory and autonomic neuropathy type IIC. Identifiers: Orphanet 970, MedGen C3280168, MONDO:0013634, OMIM 614213.
Hereditary spastic paraplegia 30. Identifiers: Orphanet 101010, MedGen C5235139, MONDO:0012476.
Intellectual disability, autosomal dominant 9 (NESCAVS). Also called: KIF1A-Related Neurodevelopmental Disorder; NESCAV SYNDROME. Identifiers: Orphanet 662367, MedGen C5393830, MONDO:0013656, OMIM 614255.

Submission:

Labcorp Genetics (formerly Invitae), Labcorp
Classification: Uncertain significance for Hereditary spastic paraplegia 30; Neuropathy, hereditary sensory, type 2C; Intellectual disability, autosomal dominant 9. Last evaluated: 2024-10-03. Review status: criteria provided, single submitter. Criteria: Invitae Variant Classification Sherloc (09022015). Collection method: clinical testing. Allele origin: germline.
Comment: This sequence change replaces arginine, which is basic and polar, with lysine, which is basic and polar, at codon 324 of the KIF1A protein (p.Arg324Lys). This variant is not present in population databases (gnomAD no frequency). This variant has not been reported in the literature in individuals affected with KIF1A-related conditions. Invitae Evidence Modeling of protein sequence and biophysical properties (such as structural, functional, and spatial information, amino acid conservation, physicochemical variation, residue mobility, and thermodynamic stability) indicates that this missense variant is expected to disrupt KIF1A protein function with a positive predictive value of 95%. In summary, the available evidence is currently insufficient to determine the role of this variant in disease. Therefore, it has been classified as a Variant of Uncertain Significance.